The following is an entry in ClinVar:

ClinVar aggregate classification (germline): Uncertain significance. Review status: criteria provided, multiple submitters, no conflicts (2 of 4 stars). 2 submissions from 2 submitters: Uncertain significance (2). Last evaluated 2025-07-19.

Conditions:
TTN-related disorder. Also called: TTN-related condition; TTN-related disease; TTN-related disorders.

gnomAD v4.1: 10 of 1,613,254 alleles (0.00062%); highest among the groups gnomAD compares: African/African-American, 0.004%; no homozygotes.

Submissions (2):

PreventionGenetics, part of Exact Sciences
Classification: Uncertain significance for TTN-related condition. Last evaluated: 2025-07-19. Review status: criteria provided, single submitter. Criteria: ACMG Guidelines, 2015. Collection method: clinical testing. Allele origin: germline.
Comment: The TTN c.43450A>G variant is predicted to result in the amino acid substitution p.Lys14484Glu. To our knowledge, this variant has not been reported in the literature. This variant is reported in 0.0041% of alleles in individuals of African descent in gnomAD. At this time, the clinical significance of this variant is uncertain due to the absence of conclusive functional and genetic evidence.

Revvity Omics, Revvity
Classification: Uncertain significance. Last evaluated: 2024-12-18. Review status: criteria provided, single submitter. Criteria: ACMG Guidelines, 2015. Collection method: clinical testing. Allele origin: germline.

NM_001267550.2(TTN):c.43450A>G (p.Lys14484Glu)

Gene: TTN (titin; minus strand). Cytogenetic location: 2q31.2.
Variant type: single nucleotide variant.
Coding change: c.43450A>G on transcript NM_001267550.2 (MANE Select); coding-DNA position 43450, A replaced by G.
Protein change: p.Lys14484Glu; replaces lysine 14484 with glutamic acid.
Molecular consequence: missense variant.
Genome position (GRCh38, 1-based): chr2:178,632,556, T>C on the plus strand (A>G on the coding strand, the complement: TTN is on the minus strand). VCF-style: chr2-178632556-T-C. GRCh37 (hg19) VCF-style: chr2-179497283-T-C.
Other names: c.38527A>G, p.Lys12843Glu (NM_001256850.1); c.16255A>G, p.Lys5419Glu (NM_003319.4); c.35746A>G, p.Lys11916Glu (NM_133378.4); c.16630A>G, p.Lys5544Glu (NM_133432.3); c.16831A>G, p.Lys5611Glu (NM_133437.4); short protein forms K11916E, K12843E, K14484E, K5419E, K5544E, K5611E.
Identifiers: ClinVar variation 4080736 (VCV004080736.2).